The following is an entry in ClinVar:

ClinVar aggregate classification (germline): Uncertain significance. Review status: criteria provided, multiple submitters, no conflicts (2 of 4 stars). 3 submissions from 3 submitters: Uncertain significance (3). Last evaluated 2023-04-11.

Conditions:
Glycogen storage disease type III (GSD3). Also called: Cori disease; FORBES DISEASE. Identifiers: Orphanet 366, MedGen C0017922, MONDO:0009291, OMIM 232400.

Allele frequency attached by ClinVar (database versions not stated): ExAC 0.00001; gnomAD 0.00001; gnomAD exomes 0.00001; TOPMed 0.00001; ESP Exome Variant Server 0.00008.
gnomAD v4.1: 5 of 1,612,758 alleles (0.00031%); highest among the groups gnomAD compares: Admixed American, 0.005%; no homozygotes.

Submissions (3):

Genome-Nilou Lab
Classification: Uncertain significance for Glycogen storage disease type III. Last evaluated: 2023-04-11. Review status: criteria provided, single submitter. Criteria: ACMG Guidelines, 2015. Collection method: clinical testing. Allele origin: germline. Affected: no.

Labcorp Genetics (formerly Invitae), Labcorp
Classification: Uncertain significance for Glycogen storage disease type III. Last evaluated: 2022-08-01. Review status: criteria provided, single submitter. Criteria: Invitae Variant Classification Sherloc (09022015). Collection method: clinical testing. Allele origin: germline.
Comment: This sequence change replaces tyrosine, which is neutral and polar, with serine, which is neutral and polar, at codon 789 of the AGL protein (p.Tyr789Ser). This variant is present in population databases (rs145720433, gnomAD 0.009%). This variant has not been reported in the literature in individuals affected with AGL-related conditions. ClinVar contains an entry for this variant (Variation ID: 1352312). Algorithms developed to predict the effect of missense changes on protein structure and function are either unavailable or do not agree on the potential impact of this missense change (SIFT: "Tolerated"; PolyPhen-2: "Possibly Damaging"; Align-GVGD: "Class C0"). In summary, the available evidence is currently insufficient to determine the role of this variant in disease. Therefore, it has been classified as a Variant of Uncertain Significance.

Revvity Omics, Revvity
Classification: Uncertain significance for Glycogen storage disease type III. Last evaluated: 2019-10-24. Review status: criteria provided, single submitter. Criteria: ACMG Guidelines, 2015. Collection method: clinical testing. Allele origin: germline.

NM_000642.3(AGL):c.2366A>C (p.Tyr789Ser)

Gene: AGL (amylo-alpha-1,6-glucosidase and 4-alpha-glucanotransferase; plus strand). Cytogenetic location: 1p21.2.
Variant type: single nucleotide variant.
Coding change: c.2366A>C on transcript NM_000642.3 (MANE Select); coding-DNA position 2366, A replaced by C.
Protein change: p.Tyr789Ser; replaces tyrosine 789 with serine.
Molecular consequence: missense variant.
Genome position (GRCh38, 1-based): chr1:99,884,177, A>C. VCF-style: chr1-99884177-A-C. GRCh37 (hg19) VCF-style: chr1-100349733-A-C.
Other names: c.2366A>C, p.Tyr789Ser (NM_001425325.1, NM_001425326.1, NM_000644.3 and 2 more transcripts); c.2165A>C, p.Tyr722Ser (NM_001425327.1); c.2162A>C, p.Tyr721Ser (NM_001425328.1, NM_001425329.1); c.1988A>C, p.Tyr663Ser (NM_001425332.1); c.2318A>C, p.Tyr773Ser (NM_000646.3); short protein forms Y789S, Y773S, Y663S, Y721S, Y722S.
Identifiers: ClinVar variation 1352312 (VCV001352312.6), dbSNP rs145720433, ClinGen allele CA966776.